The following is an entry in ClinVar:

NM_004281.4(BAG3):c.646G>A (p.Val216Ile)

Gene: BAG3 (BAG cochaperone 3; plus strand). Cytogenetic location: 10q26.11.
Variant type: single nucleotide variant.
Coding change: c.646G>A on transcript NM_004281.4 (MANE Select); coding-DNA position 646, G replaced by A.
Protein change: p.Val216Ile; replaces valine 216 with isoleucine.
Molecular consequence: missense variant.
Genome position (GRCh38, 1-based): chr10:119,672,393, G>A. VCF-style: chr10-119672393-G-A. GRCh37 (hg19) VCF-style: chr10-121431905-G-A.
Other names: short protein forms V216I.
Identifiers: ClinVar variation 949940 (VCV000949940.12), dbSNP rs148282376, ClinGen allele CA5716389.

ClinVar aggregate classification (germline): Uncertain significance. Review status: criteria provided, multiple submitters, no conflicts (2 of 4 stars). 2 submissions from 2 submitters: Uncertain significance (2). Last evaluated 2024-10-07.

Conditions:
Myofibrillar myopathy 6. Identifiers: Orphanet 199340, MedGen C2751831, MONDO:0013061, OMIM 612954.
Dilated cardiomyopathy 1HH (CMD1HH). Identifiers: Orphanet 154, MedGen C3151293, MONDO:0013479, OMIM 613881.

Allele frequency attached by ClinVar (database versions not stated): ExAC 0.00001; gnomAD 0.00001; gnomAD exomes 0.00001; TOPMed 0.00001; 1000 Genomes Project 30x 0.00016; 1000 Genomes Project 0.00020.
gnomAD v4.1: 11 of 1,614,112 alleles (0.00068%); highest among the groups gnomAD compares: East Asian, 0.0067%; no homozygotes.

Submissions (2):

Labcorp Genetics (formerly Invitae), Labcorp
Classification: Uncertain significance for Dilated cardiomyopathy 1HH; Myofibrillar myopathy 6. Last evaluated: 2024-10-07. Review status: criteria provided, single submitter. Criteria: Invitae Variant Classification Sherloc (09022015). Collection method: clinical testing. Allele origin: germline.
Comment: This sequence change replaces valine, which is neutral and non-polar, with isoleucine, which is neutral and non-polar, at codon 216 of the BAG3 protein (p.Val216Ile). This variant is present in population databases (rs148282376, gnomAD 0.01%). This variant has not been reported in the literature in individuals affected with BAG3-related conditions. ClinVar contains an entry for this variant (Variation ID: 949940). Invitae Evidence Modeling of protein sequence and biophysical properties (such as structural, functional, and spatial information, amino acid conservation, physicochemical variation, residue mobility, and thermodynamic stability) indicates that this missense variant is not expected to disrupt BAG3 protein function with a negative predictive value of 80%. In summary, the available evidence is currently insufficient to determine the role of this variant in disease. Therefore, it has been classified as a Variant of Uncertain Significance.

Fulgent Genetics
Classification: Uncertain significance for Myofibrillar myopathy 6; Dilated cardiomyopathy 1HH. Last evaluated: 2024-06-07. Review status: criteria provided, single submitter. Criteria: ACMG Guidelines, 2015. Collection method: clinical testing. Allele origin: germline.